The following is an entry in ClinVar:

NM_001204375.2(NPR3):c.1483G>A (p.Ala495Thr)

Gene: NPR3 (natriuretic peptide receptor 3; plus strand). Cytogenetic location: 5p13.3.
Variant type: single nucleotide variant.
Coding change: c.1483G>A on transcript NM_001204375.2 (MANE Select); coding-DNA position 1483, G replaced by A.
Protein change: p.Ala495Thr; replaces alanine 495 with threonine.
Molecular consequence: missense variant.
Genome position (GRCh38, 1-based): chr5:32,784,852, G>A. VCF-style: chr5-32784852-G-A. GRCh37 (hg19) VCF-style: chr5-32784958-G-A.
Other names: c.1480G>A, p.Ala494Thr (NM_000908.4); c.832G>A, p.Ala278Thr (NM_001204376.2); c.835G>A, p.Ala279Thr (NM_001363652.2); c.763G>A, p.Ala255Thr (NM_001364458.2); c.712G>A, p.Ala238Thr (NM_001364460.2); short protein forms A238T, A494T, A279T, A495T, A255T, A278T.
Identifiers: ClinVar variation 1508604 (VCV001508604.6), dbSNP rs759137072, ClinGen allele CA3222683.

ClinVar aggregate classification (germline): Uncertain significance (1 of 4 stars; one submission).

Allele frequency attached by ClinVar (database versions not stated): gnomAD 0.00001; gnomAD exomes 0.00001 and 0.00002; TOPMed 0.00001; ExAC 0.00002.
gnomAD v4.1: 10 of 1,613,672 alleles (0.00062%); highest among the groups gnomAD compares: Non-Finnish European, 0.00085%; no homozygotes.

Submission:

Labcorp Genetics (formerly Invitae), Labcorp
Classification: Uncertain significance. Last evaluated: 2021-12-15. Review status: criteria provided, single submitter. Criteria: Invitae Variant Classification Sherloc (09022015). Collection method: clinical testing. Allele origin: germline.
Comment: This variant has not been reported in the literature in individuals affected with NPR3-related conditions. This variant is present in population databases (rs759137072, gnomAD 0.004%). This sequence change replaces alanine, which is neutral and non-polar, with threonine, which is neutral and polar, at codon 494 of the NPR3 protein (p.Ala494Thr). In summary, the available evidence is currently insufficient to determine the role of this variant in disease. Therefore, it has been classified as a Variant of Uncertain Significance. Algorithms developed to predict the effect of missense changes on protein structure and function (SIFT, PolyPhen-2, Align-GVGD) all suggest that this variant is likely to be tolerated.